The following is an entry in ClinVar:

ClinVar aggregate classification (germline): Conflicting classifications of pathogenicity. Review status: criteria provided, conflicting classifications (1 of 4 stars). 4 submissions from 4 submitters: Pathogenic (1); Uncertain significance (3). Last evaluated 2024-12-19.

Conditions:
Hyperekplexia 3 (HKPX3). Also called: HYPEREKPLEXIA 3, AUTOSOMAL RECESSIVE; HYPEREKPLEXIA 3, AUTOSOMAL DOMINANT. Identifiers: Orphanet 3197, MedGen C3553288, MONDO:0013827, OMIM 614618.

Allele frequency attached by ClinVar (database versions not stated): gnomAD exomes below 0.00001; gnomAD 0.00001; TOPMed 0.00002.
gnomAD v4.1: 9 of 1,557,204 alleles (0.00058%); highest among the groups gnomAD compares: African/African-American, 0.0081%; no homozygotes.

Submissions (4):

Genomic Medicine Center of Excellence, King Faisal Specialist Hospital and Research Centre
Classification: Uncertain significance for Hyperekplexia 3. Last evaluated: 2024-12-19. Review status: criteria provided, single submitter. Criteria: ACMG Guidelines, 2015. Collection method: clinical testing. Allele origin: germline.

Labcorp Genetics (formerly Invitae), Labcorp
Classification: Pathogenic for Hyperekplexia 3. Last evaluated: 2024-08-12. Review status: criteria provided, single submitter. Criteria: Invitae Variant Classification Sherloc (09022015). Collection method: clinical testing. Allele origin: germline.
Comment: This sequence change falls in intron 13 of the SLC6A5 gene. It does not directly change the encoded amino acid sequence of the SLC6A5 protein. It affects a nucleotide within the consensus splice site. This variant is present in population databases (no rsID available, gnomAD 0.003%). This variant has been observed in individuals with SLC6A5-related conditions (PMID: 35841715; Invitae). It has also been observed to segregate with disease in related individuals. ClinVar contains an entry for this variant (Variation ID: 643116). Variants that disrupt the consensus splice site are a relatively common cause of aberrant splicing (PMID: 17576681, 9536098). Algorithms developed to predict the effect of sequence changes on RNA splicing suggest that this variant may disrupt the consensus splice site. For these reasons, this variant has been classified as Pathogenic.

Baylor Genetics
Classification: Uncertain significance for Hyperekplexia 3. Last evaluated: 2019-11-20. Review status: criteria provided, single submitter. Criteria: ACMG Guidelines, 2015. Collection method: clinical testing. Allele origin: unknown. Affected: yes.
Comment: This variant was determined to be of uncertain significance according to ACMG Guidelines, 2015 [PMID:25741868].

Blueprint Genetics
Classification: Uncertain significance. Last evaluated: 2019-08-22. Review status: criteria provided, single submitter. Criteria: ACMG Guidelines, 2015. Collection method: clinical testing. Allele origin: germline.

Literature cited by the submitters: PubMed 35841715 (cited by Labcorp Genetics (formerly Invitae), Labcorp); PubMed 17576681 (cited by Labcorp Genetics (formerly Invitae), Labcorp); PubMed 9536098 (cited by Labcorp Genetics (formerly Invitae), Labcorp).

NM_004211.5(SLC6A5):c.1969+4A>T

Gene: SLC6A5 (solute carrier family 6 member 5; plus strand). Cytogenetic location: 11p15.1.
Variant type: single nucleotide variant.
Coding change: c.1969+4A>T on transcript NM_004211.5 (MANE Select); 4 bases into the intron after coding-DNA position 1969, A replaced by T.
Molecular consequence: intron variant.
Genome position (GRCh38, 1-based): chr11:20,638,562, A>T. VCF-style: chr11-20638562-A-T. GRCh37 (hg19) VCF-style: chr11-20660108-A-T.
Other names: c.1267+4A>T (NM_001318369.2).
Identifiers: ClinVar variation 643116 (VCV000643116.9), dbSNP rs1476186922, ClinGen allele CA597487745.